The following is an entry in ClinVar:

NM_001165963.4(SCN1A):c.1130G>A (p.Arg377Gln)

Gene: SCN1A (sodium voltage-gated channel alpha subunit 1; minus strand). Cytogenetic location: 2q24.3.
Variant type: single nucleotide variant.
Coding change: c.1130G>A on transcript NM_001165963.4 (MANE Select); coding-DNA position 1130, G replaced by A.
Protein change: p.Arg377Gln; replaces arginine 377 with glutamine.
Molecular consequence: missense variant. On other transcripts: 5 prime UTR variant (1), non-coding transcript variant (1).
Genome position (GRCh38, 1-based): chr2:166,047,667, C>T on the plus strand (G>A on the coding strand, the complement: SCN1A is on the minus strand). VCF-style: chr2-166047667-C-T. GRCh37 (hg19) VCF-style: chr2-166904177-C-T.
Other names: p.R377Q:CGA>CAA; c.1130G>A, p.Arg377Gln (NM_001165964.3, NM_001202435.3, NM_001353948.2 and 10 more transcripts); c.-1296G>A (NM_001353961.2); short protein forms R377Q.
Identifiers: ClinVar variation 68502 (VCV000068502.22), dbSNP rs121917957, ClinGen allele CA266086.

ClinVar aggregate classification (germline): Pathogenic/Likely pathogenic. Review status: criteria provided, multiple submitters, no conflicts (2 of 4 stars). 8 submissions from 8 submitters: Pathogenic (3); Likely pathogenic (4). 1 of the submissions does not count toward it. Last evaluated 2026-09-05.

Conditions:
Early-infantile DEE. Also called: Ohtahara syndrome; Early infantile epileptic encephalopathy with suppression bursts; Early infantile epileptic encephalopathy. Identifiers: Orphanet 1934, MedGen C0393706, MONDO:0800491.
SCN1A Seizure Disorders. Identifiers: MedGen CN381098.
Generalized epilepsy with febrile seizures plus, type 2 (GEFSP2). Also called: GEFS+, TYPE 2. Identifiers: Orphanet 36387, MedGen C1858673, MONDO:0011461, OMIM 604403.
Generalized epilepsy with febrile seizures plus, type 1 (GEFSP1). Also called: GEFS+, TYPE 1. Identifiers: Orphanet 36387, MedGen C1858672, MONDO:0011416, OMIM 604233.
Severe myoclonic epilepsy in infancy (DRVT). Also called: Dravet syndrome; Severe Myoclonic Epilepsy in Infancy (SMEI); Epileptic encephalopathy, early infantile, 6 (Dravet syndrome); SEVERE MYOCLONIC EPILEPSY OF INFANCY; DEVELOPMENTAL AND EPILEPTIC ENCEPHALOPATHY 6A. Identifiers: Orphanet 33069, MedGen C0751122, MONDO:0100135, OMIM 607208.

Allele frequency attached by ClinVar (database versions not stated): gnomAD exomes below 0.00001.

Submissions (8):

GeneDx
Classification: Likely pathogenic. Last evaluated: 2026-09-05. Review status: criteria provided, single submitter. Criteria: GeneDx Variant Classification Process June 2021. Collection method: clinical testing. Allele origin: germline.
Comment: Observed in an individual with GEFS+ and in an individual with Dravet syndrome-like features in the published literature; in both cases, the variant was inherited from a parent for whom no clinical information was provided (PMID: 18413471, 34226156); This substitution is predicted to be within the pore forming loop between the S5 and S6 transmembrane segments of the first homologous domain; In silico analysis supports that this missense variant has a deleterious effect on protein structure/function; In silico analysis is inconclusive as to whether the variant alters gene splicing. In the absence of RNA/functional studies, the actual effect of this sequence change is unknown.; Not observed at significant frequency in large population cohorts (gnomAD); This variant is associated with the following publications: (PMID: 33851920, 28202706, 26096185, 19464195, 23248692, 28150151, 24136861, 33013363, 34226156, 35074891, Veerabathiran2025[Review], 39843441, 18413471, Szalai2026[Article])

Clinical Genetics Laboratory, Skane University Hospital Lund
Classification: Pathogenic for SCN1A Seizure Disorders. Last evaluated: 2026-07-16. Review status: criteria provided, single submitter. Criteria: ACMG Guidelines, 2015. Collection method: clinical testing. Allele origin: paternal, germline. Inheritance: Autosomal dominant inheritance. Affected: yes.
Comment: ACMG criteria used: PS4, PM1, PM2_Supporting, PM5, PP3.

Labcorp Genetics (formerly Invitae), Labcorp
Classification: Pathogenic for Early-infantile DEE. Last evaluated: 2025-03-27. Review status: criteria provided, single submitter. Criteria: Invitae Variant Classification Sherloc (09022015). Collection method: clinical testing. Allele origin: germline.
Comment: This sequence change replaces arginine, which is basic and polar, with glutamine, which is neutral and polar, at codon 377 of the SCN1A protein (p.Arg377Gln). This variant is present in population databases (rs121917957, gnomAD 0.0009%). This missense change has been observed in individuals with clinical features of autosomal dominant SCN1A-related conditions (PMID: 18413471; internal data). ClinVar contains an entry for this variant (Variation ID: 68502). Invitae Evidence Modeling of protein sequence and biophysical properties (such as structural, functional, and spatial information, amino acid conservation, physicochemical variation, residue mobility, and thermodynamic stability) indicates that this missense variant is expected to disrupt SCN1A protein function with a positive predictive value of 95%. Algorithms developed to predict the effect of sequence changes on RNA splicing suggest that this variant may disrupt the consensus splice site. This variant disrupts the p.Arg377 amino acid residue in SCN1A. Other variant(s) that disrupt this residue have been observed in individuals with SCN1A-related conditions (PMID: 18076640), which suggests that this may be a clinically significant amino acid residue. For these reasons, this variant has been classified as Pathogenic.

Genetic Services Laboratory, University of Chicago
Classification: Likely pathogenic. Last evaluated: 2021-10-12. Review status: criteria provided, single submitter. Criteria: ACMG Guidelines, 2015. Collection method: clinical testing. Allele origin: germline. Affected: yes.
Comment: DNA sequence analysis of the SCN1A gene demonstrated a sequence change, c.1130G>A, in exon 11 that results in an amino acid change, p.Arg377Gln. This sequence change has been described in individuals and families with SCN1A-related disorders (PMIDs: 18413471, 33851920, 34226156). This sequence change has been described in one non-Finnish European individual in the gnomAD population database (rs121917957). The p.Arg377Gln change affects a highly conserved amino acid residue located in S5-S6 segment of the Domain I of the SCN1A protein. The p.Arg377Gln substitution appears to be deleterious using several in-silico pathogenicity prediction tools (SIFT, PolyPhen2, Align GVGD, REVEL). Collectively this evidence indicates p.Arg377Gln is likely pathogenic, however functional studies have not been performed to prove this conclusively.

3billion
Classification: Likely pathogenic for Generalized epilepsy with febrile seizures plus, type 2. Last evaluated: 2021-10-02. Review status: criteria provided, single submitter. Criteria: ACMG Guidelines, 2015. Collection method: clinical testing. Allele origin: unknown. Affected: yes. Observed: 1 heterozygote.
Comment: Same nucleotide change resulting in same amino acid change has been previously reported as pathogenic/likely pathogenic with supporting evidence (ClinVar ID: VCV000376243.1, PS1). It is observed at an extremely low frequency in the gnomAD v2.1.1 dataset (total allele frequency: 0.000004, PM2). In silico tool predictions suggest damaging effect of the variant on gene or gene product (REVEL: 0.843, 3Cnet: 0.995, PP3). Therefore, this variant is classified as likley pathogenic according to the recommendation of ACMG/AMP guideline.

Center for Bioinformatics, Peking University
Classification: Pathogenic for Dravet syndrome. Last evaluated: 2014-12-20. Review status: criteria provided, single submitter. Criteria: Xu et al. (Hum Mutat. 2015). Collection method: research. Allele origin: inherited. Affected: yes. Observed: 2 variant alleles. Study: University Clinical Cooperation “985 Project” PKU-2014-1-1.
Comment: Dravet syndrome (DS) probands were recruited from the outpatient and inpatient child neurology units of Peking University First Hospital from 2005 till present. The study was approved by the Ethics Committee of Peking University First Hospital and the Institutional Review Board at Peking University. Participants or their parents provided written informed consent before enrollment. We collected a total of 267 mutations from 255 families with probands diagnosed with DS in China. All probands fulfilled the clinical diagnostic criteria.

Juno Genomics, Hangzhou Juno Genomics, Inc
Classification: Likely pathogenic for Generalized epilepsy with febrile seizures plus, type 2. Review status: criteria provided, single submitter. Criteria: ACMG Guidelines, 2015. Collection method: clinical testing. Allele origin: germline. Affected: yes.
Comment: Absent from controls (or at extremely low frequency if recessive) in Genome Aggregation Database, Exome Sequencing Project, 1000 Genomes Project, or Exome Aggregation Consortium.;The prevalence of the variant in affected individuals is significantly increased compared to the prevalence in controls.;Multiple lines of computational evidence support a deleterious effect on the gene or gene product (conservation, evolutionary, splicing impact, etc).;Missense variant in a gene that has a low rate of benign missense variation and where missense variants are a common mechanism of disease.

UniProtKB/Swiss-Prot
No classification provided. Condition: Generalized epilepsy with febrile seizures plus, type 1. Review status: no classification provided. Collection method: not provided. Allele origin: unknown. Not counted in ClinVar's aggregate classification.

Literature cited by the submitters: PubMed 18413471 (cited by Labcorp Genetics (formerly Invitae), Labcorp); PubMed 18076640 (cited by Labcorp Genetics (formerly Invitae), Labcorp).